The following is an entry in ClinVar:

ClinVar aggregate classification (germline): Uncertain significance (1 of 4 stars; one submission).

Submission:

Laboratory for Molecular Medicine, Mass General Brigham Personalized Medicine
Classification: Uncertain significance. Last evaluated: 2013-09-20. Review status: criteria provided, single submitter. Criteria: LMM Criteria. Collection method: clinical testing. Allele origin: germline. Observed: 1 variant allele.
Comment: Variant classified as Uncertain Significance - Favor Pathogenic. The Asp25_Phe27 del variant in TNNC1 has not been previously reported in individuals with cardio myopathy. Data from large population studies is insufficient to assess the frequ ency of this variant. This variant leads to a deletion of 3 amino acids beginnin g at position 25 and is not predicted to alter the protein reading-frame. While this deletion is likely to impact the protein, it is unclear if that impact woul d result in disease. In addition, the phenotypic spectrum of disease-causing TNN C1 variants is currently not yet well defined. Additional studies are needed to fully assess its clinical significance.

NM_003280.3(TNNC1):c.74_82del (p.Asp25_Phe27del)

Gene: TNNC1 (troponin C1, slow skeletal and cardiac type; minus strand). Cytogenetic location: 3p21.1.
Variant type: Deletion.
Coding change: c.74_82del on transcript NM_003280.3 (MANE Select); coding-DNA positions 74 to 82, 9 bases deleted (ACATCTTCG; older notation c.74_82delACATCTTCG).
Protein change: p.Asp25_Phe27del.
Molecular consequence: inframe deletion.
Genome position (GRCh38, 1-based): chr3:52,452,226-52,452,234, CGAAGATGT deleted on the plus strand (ACATCTTCG on the coding strand, the reverse complement: TNNC1 is on the minus strand); deleting any 9 consecutive bases within chr3:52,452,226-52,452,239 gives the same sequence; the c. name uses the placement nearest the transcript's 3' end. VCF-style (leftmost placement, unchanged base first): chr3-52452225-ACGAAGATGT-A. GRCh37 (hg19) VCF-style: chr3-52486241-ACGAAGATGT-A.
Other names: c.74_82del (LRG_378t1).
Identifiers: ClinVar variation 165499 (VCV000165499.5), dbSNP rs727503496, ClinGen allele CA178256.